The following is an entry in ClinVar:

NM_001267550.2(TTN):c.5674del (p.Asp1892fs)

Gene: TTN (titin; minus strand). Cytogenetic location: 2q31.2.
Variant type: Deletion.
Coding change: c.5674del on transcript NM_001267550.2 (MANE Select); coding-DNA position 5674, one base deleted (G; older notation c.5674delG).
Protein change: p.Asp1892fs; shifts the reading frame from aspartic acid 1892.
Molecular consequence: frameshift variant.
Genome position (GRCh38, 1-based): chr2:178,776,190, C deleted on the plus strand (G on the coding strand, the reverse complement: TTN is on the minus strand). VCF-style (leftmost placement, unchanged base first): chr2-178776189-TC-T. GRCh37 (hg19) VCF-style: chr2-179640916-TC-T.
Other names: c.5536delG (NM_003319.4); c.5674del, p.Asp1892fs (NM_001256850.1, NM_133378.4, NM_133379.5); c.5536del, p.Asp1846fs (NM_003319.4, NM_133432.3, NM_133437.4); short protein forms D1846fs, D1892fs.
Identifiers: ClinVar variation 1062783 (VCV001062783.10), dbSNP rs2154346038, ClinGen allele CA2499215501.
Genomic context (GRCh38, chr2:178,776,189, plus strand): 5'-ACCTTCACTTCACCTGTGTCATATGATTTGCAGTCCACGATGTCCAGGTAATGGATACCA[TC>T]ATAGCGAACTCTGAACCTTTTGCTTTTGCGGATGAGCTGTCCATTGAGGTACCAGTTGAC-3'

ClinVar aggregate classification (germline): Likely pathogenic. Review status: criteria provided, multiple submitters, no conflicts (2 of 4 stars). 2 submissions from 2 submitters: Likely pathogenic (2). Last evaluated 2025-03-04.

Conditions:
Cardiovascular phenotype. Identifiers: MedGen CN230736.
Dilated cardiomyopathy 1G (CMD1G). Identifiers: Orphanet 154, MedGen C1858763, MONDO:0011400, OMIM 604145.
Autosomal recessive limb-girdle muscular dystrophy type 2J (LGMDR10). Also called: Limb-girdle muscular dystrophy, type 2J; MUSCULAR DYSTROPHY, LIMB-GIRDLE, AUTOSOMAL RECESSIVE 10. Identifiers: Orphanet 140922, MedGen C1837342, MONDO:0012127, OMIM 608807.

Submissions (2):

Ambry Genetics
Classification: Likely pathogenic for Cardiovascular phenotype. Last evaluated: 2025-03-04. Review status: criteria provided, single submitter. Criteria: Ambry Variant Classification Scheme 2023. Collection method: clinical testing. Allele origin: germline.
Comment: The c.5536delG variant, located in coding exon 26 of the TTN gene, results from a deletion of one nucleotide at nucleotide position 5536, causing a translational frameshift with a predicted alternate stop codon (p.D1846Mfs*19). This exon is located in the near Z-disk/I-band region of the N2-B isoform of the titin protein and is constitutively expressed in TTN transcripts (percent spliced in or PSI 100%). This variant is considered to be rare based on population cohorts in the Genome Aggregation Database (gnomAD). This variant is expected to result in loss of function by premature protein truncation or nonsense-mediated mRNA decay. While truncating variants in TTN are present in 1-3% of the general population, truncating variants in the A-band are the most common cause of dilated cardiomyopathy (Herman DS et al. N. Engl. J. Med., 2012 Feb;366:619-28; Roberts AM et al. Sci Transl Med, 2015 Jan;7:270ra6). TTN truncating variants encoded in constitutive exons (PSI >90%) have been found to be significantly associated with DCM regardless of their position in titin (Schafer S et al. Nat. Genet., 2017 01;49:46-53; Akhtar MM et al. Circ Heart Fail, 2020 Oct;13:e006832; Massier M et al. Clin Genet, 2025 Jan). Based on the majority of available evidence to date, this variant is likely to be pathogenic.

Labcorp Genetics (formerly Invitae), Labcorp
Classification: Likely pathogenic for Dilated cardiomyopathy 1G; Autosomal recessive limb-girdle muscular dystrophy type 2J. Last evaluated: 2024-11-04. Review status: criteria provided, single submitter. Criteria: Invitae Variant Classification Sherloc (09022015). Collection method: clinical testing. Allele origin: germline.
Comment: This sequence change creates a premature translational stop signal (p.Asp1892Metfs*19) in the TTN gene. While this is not anticipated to result in nonsense mediated decay, it is expected to create a truncated TTN protein. This variant is not present in population databases (gnomAD no frequency). This variant has not been reported in the literature in individuals affected with TTN-related conditions. ClinVar contains an entry for this variant (Variation ID: 1062783). This variant is located in the Z band of TTN (PMID: 25589632). Truncating variants in this region have been reported in individuals affected with autosomal recessive centronuclear myopathy (PMID: 33449170, internal data). Truncating variants in this region have also been identified in individuals affected with autosomal dominant dilated cardiomyopathy and/or cardio-related conditions (PMID: 27869827, 32964742, internal data). In summary, the currently available evidence indicates that the variant is pathogenic, but additional data are needed to prove that conclusively. Therefore, this variant has been classified as Likely Pathogenic.

Literature cited by the submitters: PubMed 25589632 (cited by Labcorp Genetics (formerly Invitae), Labcorp); PubMed 33449170 (cited by Labcorp Genetics (formerly Invitae), Labcorp); PubMed 27869827 (cited by Labcorp Genetics (formerly Invitae), Labcorp); PubMed 32964742 (cited by Labcorp Genetics (formerly Invitae), Labcorp).